The following is an entry in ClinVar:

ClinVar aggregate classification (germline): Uncertain significance. Review status: criteria provided, multiple submitters, no conflicts (2 of 4 stars). 3 submissions from 3 submitters: Uncertain significance (3). Last evaluated 2025-02-21.

gnomAD v4.1: 19 of 1,145,784 alleles (0.0017%); highest among the groups gnomAD compares: African/African-American, 0.026%; no homozygotes.

Submissions (3):

GeneDx
Classification: Uncertain significance. Last evaluated: 2025-02-21. Review status: criteria provided, single submitter. Criteria: GeneDx Variant Classification Process June 2021. Collection method: clinical testing. Allele origin: germline. Affected: yes.
Comment: In silico analysis indicates that this missense variant does not alter protein structure/function; Has not been previously published as pathogenic or benign to our knowledge

Labcorp Genetics (formerly Invitae), Labcorp
Classification: Uncertain significance. Last evaluated: 2022-05-04. Review status: criteria provided, single submitter. Criteria: Invitae Variant Classification Sherloc (09022015). Collection method: clinical testing. Allele origin: germline.
Comment: This sequence change replaces glutamic acid, which is acidic and polar, with aspartic acid, which is acidic and polar, at codon 2 of the TSEN54 protein (p.Glu2Asp). This variant is present in population databases (rs794726965, gnomAD 0.02%). This variant has not been reported in the literature in individuals affected with TSEN54-related conditions. ClinVar contains an entry for this variant (Variation ID: 193522). Algorithms developed to predict the effect of missense changes on protein structure and function output the following: SIFT: "Tolerated"; PolyPhen-2: "Not Available"; Align-GVGD: "Class C0". The aspartic acid amino acid residue is found in multiple mammalian species, which suggests that this missense change does not adversely affect protein function. In summary, the available evidence is currently insufficient to determine the role of this variant in disease. Therefore, it has been classified as a Variant of Uncertain Significance.

Eurofins Ntd Llc (ga)
Classification: Uncertain significance. Last evaluated: 2015-05-27. Review status: criteria provided, single submitter. Criteria: EGL Classification Definitions 2015. Collection method: clinical testing. Allele origin: germline. Observed: 1 variant allele, 1 heterozygote.

NM_207346.3(TSEN54):c.6G>C (p.Glu2Asp)

Genes: TSEN54 (tRNA splicing endonuclease subunit 54; plus strand), LOC112533671 (Sharpr-MPRA regulatory region 12010; plus strand). Cytogenetic location: 17q25.1.
Variant type: single nucleotide variant.
Coding change: c.6G>C on transcript NM_207346.3 (MANE Select); coding-DNA position 6, G replaced by C.
Protein change: p.Glu2Asp; replaces glutamic acid 2 with aspartic acid.
Molecular consequence: missense variant.
Genome position (GRCh38, 1-based): chr17:75,516,566, G>C. VCF-style: chr17-75516566-G-C. GRCh37 (hg19) VCF-style: chr17-73512647-G-C.
Other names: c.6G>C (NM_207346.2); short protein forms E2D.
Identifiers: ClinVar variation 193522 (VCV000193522.7), dbSNP rs794726965, ClinGen allele CA239061.
Genomic context (GRCh38, chr17:75,516,566, plus strand): 5'-GAGCTCCGGCGGTGGGCGGGGCGTGGCGGCGCGCGCAGCGGCAGGCGGCGGCGGGATGGA[G>C]CCCGAGCCCGAGCCCGCGGCCGTGGAGGTTCCCGCGGGGCGCGTGCTCAGGTGCGGCGCG-3'
Protein context (NP_997229.2, residues 1-12): M[Glu2Asp]PEPEPAAVEV